The following is an entry in ClinVar:

NM_000127.3(EXT1):c.1038A>C (p.Arg346Ser)

Gene: EXT1 (exostosin glycosyltransferase 1; minus strand). Cytogenetic location: 8q24.11.
Variant type: single nucleotide variant.
Coding change: c.1038A>C on transcript NM_000127.3 (MANE Select); coding-DNA position 1038, A replaced by C.
Protein change: p.Arg346Ser; replaces arginine 346 with serine.
Molecular consequence: missense variant.
Genome position (GRCh38, 1-based): chr8:117,837,126, T>G on the plus strand (A>C on the coding strand, the complement: EXT1 is on the minus strand). VCF-style: chr8-117837126-T-G. GRCh37 (hg19) VCF-style: chr8-118849365-T-G.
Other names: short protein forms R346S.
Identifiers: ClinVar variation 2772987 (VCV002772987.3), dbSNP rs2129791072, ClinGen allele CA371893250.

ClinVar aggregate classification (germline): Likely pathogenic (1 of 4 stars; one submission).

Conditions:
Multiple congenital exostosis (EXT). Also called: Hereditary multiple exostoses; Hereditary multiple exostosis; Multiple exostoses; MULTIPLE CARTILAGINOUS EXOSTOSES; Multiple osteochondromas; Hereditary multiple osteochondromas. Identifiers: Orphanet 321, MedGen C0015306, MONDO:0005508, HP:0002762.

Submission:

Labcorp Genetics (formerly Invitae), Labcorp
Classification: Likely pathogenic for Multiple congenital exostosis. Last evaluated: 2023-10-30. Review status: criteria provided, single submitter. Criteria: Invitae Variant Classification Sherloc (09022015). Collection method: clinical testing. Allele origin: germline.
Comment: This sequence change replaces arginine, which is basic and polar, with serine, which is neutral and polar, at codon 346 of the EXT1 protein (p.Arg346Ser). This variant is not present in population databases (gnomAD no frequency). This missense change has been observed in individual(s) with hereditary multiple osteochondromas (Invitae). Advanced modeling of protein sequence and biophysical properties (such as structural, functional, and spatial information, amino acid conservation, physicochemical variation, residue mobility, and thermodynamic stability) performed at Invitae indicates that this missense variant is expected to disrupt EXT1 protein function with a positive predictive value of 80%. This variant disrupts the p.Arg346 amino acid residue in EXT1. Other variant(s) that disrupt this residue have been determined to be pathogenic (PMID: 17301954, 19810120, 24532482). This suggests that this residue is clinically significant, and that variants that disrupt this residue are likely to be disease-causing. In summary, the currently available evidence indicates that the variant is pathogenic, but additional data are needed to prove that conclusively. Therefore, this variant has been classified as Likely Pathogenic.

Literature cited by the submitters: PubMed 17301954; PubMed 19810120; PubMed 24532482.